The following is an entry in ClinVar:

NM_144599.5(NIPA1):c.928G>A (p.Val310Met)

Gene: NIPA1 (NIPA magnesium transporter 1; plus strand). Cytogenetic location: 15q11.2.
Variant type: single nucleotide variant.
Coding change: c.928G>A on transcript NM_144599.5 (MANE Select); coding-DNA position 928, G replaced by A.
Protein change: p.Val310Met; replaces valine 310 with methionine.
Molecular consequence: missense variant.
Genome position (GRCh38, 1-based): chr15:22,824,177, G>A. VCF-style: chr15-22824177-G-A. GRCh37 (hg19) VCF-style: chr15-23048891-C-T.
Other names: c.703G>A, p.Val235Met (NM_001142275.1); short protein forms V310M, V235M.
Identifiers: ClinVar variation 848194 (VCV000848194.10), dbSNP rs1162539945, ClinGen allele CA391304464.
Genomic context (GRCh38, chr15:22,824,177, plus strand): 5'-GACTTCTTGGGGATGGCCTGTGGATTCACGACCGTCTCCGTGGGGATTGTCCTTATACAG[G>A]TGTTCAAAGAGTTCAATTTCAACCTTGGGGAGATGAACAAATCTAATATGAAAACAGACT-3'
Protein context (NP_653200.2, residues 300-320): TVSVGIVLIQ[Val310Met]FKEFNFNLGE

ClinVar aggregate classification (germline): Uncertain significance. Review status: criteria provided, multiple submitters, no conflicts (2 of 4 stars). 2 submissions from 2 submitters: Uncertain significance (2). Last evaluated 2022-08-12.

Conditions:
Inborn genetic diseases. Identifiers: MedGen C0950123, MeSH D030342.
Hereditary spastic paraplegia 6 (SPG6). Also called: SPASTIC PARAPLEGIA 6, AUTOSOMAL DOMINANT. Identifiers: Orphanet 100988, MedGen C1838192, MONDO:0010878, OMIM 600363.

Allele frequency attached by ClinVar (database versions not stated): TOPMed below 0.00001; gnomAD 0.00001; gnomAD exomes 0.00001 and 0.00002.

Submissions (2):

Ambry Genetics
Classification: Uncertain significance for Inborn genetic diseases. Last evaluated: 2022-08-12. Review status: criteria provided, single submitter. Criteria: Ambry Variant Classification Scheme 2023. Collection method: clinical testing. Allele origin: germline.

Labcorp Genetics (formerly Invitae), Labcorp
Classification: Uncertain significance for Hereditary spastic paraplegia 6. Last evaluated: 2022-07-06. Review status: criteria provided, single submitter. Criteria: Invitae Variant Classification Sherloc (09022015). Collection method: clinical testing. Allele origin: germline.
Comment: In summary, the available evidence is currently insufficient to determine the role of this variant in disease. Therefore, it has been classified as a Variant of Uncertain Significance. Algorithms developed to predict the effect of missense changes on protein structure and function (SIFT, PolyPhen-2, Align-GVGD) all suggest that this variant is likely to be tolerated. ClinVar contains an entry for this variant (Variation ID: 848194). This variant has not been reported in the literature in individuals affected with NIPA1-related conditions. This variant is present in population databases (no rsID available, gnomAD 0.004%). This sequence change replaces valine, which is neutral and non-polar, with methionine, which is neutral and non-polar, at codon 310 of the NIPA1 protein (p.Val310Met).